The following is an entry in ClinVar:

ClinVar aggregate classification (germline): Uncertain significance (1 of 4 stars; one submission).

Allele frequency attached by ClinVar (database versions not stated): TOPMed below 0.00001.

Submission:

CeGaT Center for Human Genetics Tuebingen
Classification: Uncertain significance. Last evaluated: 2022-11-01. Review status: criteria provided, single submitter. Criteria: CeGaT Center For Human Genetics Tuebingen Variant Classification Criteria Version 2. Collection method: clinical testing. Allele origin: germline. Affected: yes. Observed: 1 variant allele.
Comment: CARD14: PM2:Supporting, BP4

NM_001366385.1(CARD14):c.1450C>T (p.Leu484=)

Gene: CARD14 (caspase recruitment domain family member 14; plus strand). Cytogenetic location: 17q25.3.
Variant type: single nucleotide variant.
Coding change: c.1450C>T on transcript NM_001366385.1 (MANE Select); coding-DNA position 1450, C replaced by T.
Protein change: p.Leu484=; no amino-acid change (leucine 484 retained).
Molecular consequence: synonymous variant. On other transcripts: non-coding transcript variant (1).
Genome position (GRCh38, 1-based): chr17:80,195,284, C>T. VCF-style: chr17-80195284-C-T. GRCh37 (hg19) VCF-style: chr17-78169083-C-T.
Other names: c.1450C>T, p.Leu484= (NM_001257970.1, NM_024110.4); c.739C>T, p.Leu247= (NM_052819.3).
Identifiers: ClinVar variation 1879383 (VCV001879383.29), dbSNP rs1437461928, ClinGen allele CA502180597.